The following is an entry in ClinVar:

ClinVar aggregate classification (germline): Uncertain significance (1 of 4 stars; one submission).

Submission:

Women's Health and Genetics/Laboratory Corporation of America, LabCorp
Classification: Uncertain significance. Last evaluated: 2019-06-24. Review status: criteria provided, single submitter. Criteria: LabCorp Variant Classification Summary - May 2015. Collection method: clinical testing. Allele origin: germline.
Comment: Variant summary: FBN1 c.1751A>G (p.Asn584Ser) results in a conservative amino acid change located in the EGF-like domain of the encoded protein sequence. Four of five in-silico tools predict a damaging effect of the variant on protein function. The variant was absent in 251224 control chromosomes (gnomAD). The available data on variant occurrences in the general population are insufficient to allow any conclusion about variant significance. To our knowledge, no occurrence of c.1751A>G in individuals affected with Marfan Syndrome and no experimental evidence demonstrating its impact on protein function have been reported. No clinical diagnostic laboratories have submitted clinical-significance assessments for this variant to ClinVar after 2014. Based on the evidence outlined above, the variant was classified as uncertain significance.

NM_000138.5(FBN1):c.1751A>G (p.Asn584Ser)

Gene: FBN1 (fibrillin 1; minus strand). Cytogenetic location: 15q21.1.
Variant type: single nucleotide variant.
Coding change: c.1751A>G on transcript NM_000138.5 (MANE Select); coding-DNA position 1751, A replaced by G.
Protein change: p.Asn584Ser; replaces asparagine 584 with serine.
Molecular consequence: missense variant.
Genome position (GRCh38, 1-based): chr15:48,508,668, T>C on the plus strand (A>G on the coding strand, the complement: FBN1 is on the minus strand). VCF-style: chr15-48508668-T-C. GRCh37 (hg19) VCF-style: chr15-48800865-T-C.
Other names: short protein forms N584S.
Identifiers: ClinVar variation 928916 (VCV000928916.1), dbSNP rs2043732580, ClinGen allele CA392340518.